The following is an entry in ClinVar:

NM_000302.4(PLOD1):c.656T>C (p.Leu219Pro)

Gene: PLOD1 (procollagen-lysine,2-oxoglutarate 5-dioxygenase 1; plus strand). Cytogenetic location: 1p36.22.
Variant type: single nucleotide variant.
Coding change: c.656T>C on transcript NM_000302.4 (MANE Select); coding-DNA position 656, T replaced by C.
Protein change: p.Leu219Pro; replaces leucine 219 with proline.
Molecular consequence: missense variant.
Genome position (GRCh38, 1-based): chr1:11,956,929, T>C. VCF-style: chr1-11956929-T-C. GRCh37 (hg19) VCF-style: chr1-12016986-T-C.
Other names: c.797T>C, p.Leu266Pro (NM_001316320.2); short protein forms L219P, L266P.
Identifiers: ClinVar variation 520109 (VCV000520109.15), dbSNP rs1392799816, ClinGen allele CA338430827.

ClinVar aggregate classification (germline): Uncertain significance. Review status: criteria provided, multiple submitters, no conflicts (2 of 4 stars). 2 submissions from 2 submitters: Uncertain significance (2). Last evaluated 2019-03-20.

Conditions:
Familial thoracic aortic aneurysm and aortic dissection (TAAD). Also called: Thoracic aortic aneurysms and dissections. Identifiers: Orphanet 91387, MedGen C4707243, MONDO:0019625.
Ehlers-Danlos syndrome, kyphoscoliotic type 1 (EDSKSCL1). Also called: EHLERS-DANLOS SYNDROME, OCULAR-SCOLIOTIC TYPE; Ehlers-Danlos syndrome, hydroxylysine-deficient; PLOD1-Related Kyphoscoliotic Ehlers-Danlos Syndrome; EHLERS-DANLOS SYNDROME, TYPE VIA. Identifiers: Orphanet 1900, MedGen C0268342, MONDO:0016002, OMIM 225400. Disease mechanism: loss of function.

Allele frequency attached by ClinVar (database versions not stated): gnomAD exomes below 0.00001; TOPMed below 0.00001; gnomAD 0.00001.
gnomAD v4.1: 3 of 1,613,094 alleles (0.00019%); highest among the groups gnomAD compares: East Asian, 0.0022%; no homozygotes.

Submissions (2):

Labcorp Genetics (formerly Invitae), Labcorp
Classification: Uncertain significance for Ehlers-Danlos syndrome, kyphoscoliotic type 1. Last evaluated: 2019-03-20. Review status: criteria provided, single submitter. Criteria: Invitae Variant Classification Sherloc (09022015). Collection method: clinical testing. Allele origin: germline.
Comment: In summary, the available evidence is currently insufficient to determine the role of this variant in disease. Therefore, it has been classified as a Variant of Uncertain Significance. Algorithms developed to predict the effect of missense changes on protein structure and function (SIFT, PolyPhen-2, Align-GVGD) all suggest that this variant is likely to be disruptive, but these predictions have not been confirmed by published functional studies and their clinical significance is uncertain. This variant has not been reported in the literature in individuals with PLOD1-related conditions. ClinVar contains an entry for this variant (Variation ID: 520109). This variant is not present in population databases (ExAC no frequency). This sequence change replaces leucine with proline at codon 219 of the PLOD1 protein (p.Leu219Pro). The leucine residue is highly conserved and there is a moderate physicochemical difference between leucine and proline.

Ambry Genetics
Classification: Uncertain significance for Familial thoracic aortic aneurysm and aortic dissection. Last evaluated: 2016-05-06. Review status: criteria provided, single submitter. Criteria: Ambry Variant Classification Scheme 2023. Collection method: clinical testing. Allele origin: germline.
Comment: The p.L219P variant (also known as c.656T>C), located in coding exon 7 of the PLOD1 gene, results from a T to C substitution at nucleotide position 656. The leucine at codon 219 is replaced by proline, an amino acid with similar properties. This variant was not reported in population based cohorts in the following databases: Database of Single Nucleotide Polymorphisms (dbSNP), NHLBI Exome Sequencing Project (ESP), and 1000 Genomes Project. In the ESP, this variant was not observed in 6503 samples (13006 alleles) with coverage at this position. This amino acid position is highly conserved in available vertebrate species. In addition, this alteration is predicted to be deleterious by in silico analysis. Since supporting evidence is limited at this time, the clinical significance of this variant remains unclear.